The following is an entry in ClinVar:

NM_145045.5(ODAD3):c.367-1G>C

Gene: ODAD3 (outer dynein arm docking complex subunit 3; minus strand). Cytogenetic location: 19p13.2.
Variant type: single nucleotide variant.
Coding change: c.367-1G>C on transcript NM_145045.5 (MANE Select); the canonical splice acceptor site of the intron before coding-DNA position 367, G replaced by C.
Molecular consequence: splice acceptor variant. On other transcripts: intron variant (1).
Genome position (GRCh38, 1-based): chr19:11,430,777, C>G on the plus strand (G>C on the coding strand, the complement: ODAD3 is on the minus strand). VCF-style: chr19-11430777-C-G. GRCh37 (hg19) VCF-style: chr19-11541597-C-G.
Other names: c.205-1G>C (NM_001302453.1); c.366+122G>C (NM_001302454.2).
Identifiers: ClinVar variation 477982 (VCV000477982.7), dbSNP rs1186608353, ClinGen allele CA404126971.

ClinVar aggregate classification (germline): Likely pathogenic (1 of 4 stars; one submission).

Conditions:
Primary ciliary dyskinesia 30. Also called: CILIARY DYSKINESIA, PRIMARY, 30, WITH OR WITHOUT SITUS INVERSUS. Identifiers: Orphanet 244, MedGen C4015016, MONDO:0014465, OMIM 616037.

gnomAD v4.1: 2 of 1,613,980 alleles (0.00012%); highest among the groups gnomAD compares: African/African-American, 0.0013%; no homozygotes.

Submission:

Labcorp Genetics (formerly Invitae), Labcorp
Classification: Likely pathogenic for Primary ciliary dyskinesia 30. Last evaluated: 2017-07-27. Review status: criteria provided, single submitter. Criteria: Invitae Variant Classification Sherloc (09022015). Collection method: clinical testing. Allele origin: germline.
Comment: In summary, the currently available evidence indicates that the variant is pathogenic, but additional data are needed to prove that conclusively. Therefore, this variant has been classified as Likely Pathogenic. Donor and acceptor splice site variants typically lead to a loss of protein function (PMID: 16199547), and loss-of-function variants in CCDC151 are known to be pathogenic (PMID: 25192045). Algorithms developed to predict the effect of sequence changes on RNA splicing suggest that this variant may disrupt the consensus splice site, but this prediction has not been confirmed by published transcriptional studies. This variant has not been reported in the literature in individuals with CCDC151-related disease. This variant is not present in population databases (ExAC no frequency). This sequence change affects an acceptor splice site in intron 2 of the CCDC151 gene. It is expected to disrupt RNA splicing and likely results in an absent or disrupted protein product.

Literature cited by the submitters: PubMed 16199547; PubMed 25192045.